The following is an entry in ClinVar:

NM_020778.5(ALPK3):c.3062A>C (p.Asn1021Thr)

Gene: ALPK3 (alpha kinase 3; plus strand). Cytogenetic location: 15q25.3.
Variant type: single nucleotide variant.
Coding change: c.3062A>C on transcript NM_020778.5 (MANE Select); coding-DNA position 3062, A replaced by C.
Protein change: p.Asn1021Thr; replaces asparagine 1021 with threonine.
Molecular consequence: missense variant.
Genome position (GRCh38, 1-based): chr15:84,857,800, A>C. VCF-style: chr15-84857800-A-C. GRCh37 (hg19) VCF-style: chr15-85401031-A-C.
Other names: c.3668A>C (NM_020778.4); short protein forms N1021T.
Identifiers: ClinVar variation 1485519 (VCV001485519.8), dbSNP rs2141568606, ClinGen allele CA393359521.

ClinVar aggregate classification (germline): Uncertain significance. Review status: criteria provided, multiple submitters, no conflicts (2 of 4 stars). 2 submissions from 2 submitters: Uncertain significance (2). Last evaluated 2025-04-07.

Conditions:
Cardiovascular phenotype. Identifiers: MedGen CN230736.

Submissions (2):

Labcorp Genetics (formerly Invitae), Labcorp
Classification: Uncertain significance. Last evaluated: 2025-04-07. Review status: criteria provided, single submitter. Criteria: Invitae Variant Classification Sherloc (09022015). Collection method: clinical testing. Allele origin: germline.
Comment: This sequence change replaces asparagine, which is neutral and polar, with threonine, which is neutral and polar, at codon 1223 of the ALPK3 protein (p.Asn1223Thr). This variant is not present in population databases (gnomAD no frequency). This variant has not been reported in the literature in individuals affected with ALPK3-related conditions. ClinVar contains an entry for this variant (Variation ID: 1485519). Invitae Evidence Modeling of protein sequence and biophysical properties (such as structural, functional, and spatial information, amino acid conservation, physicochemical variation, residue mobility, and thermodynamic stability) indicates that this missense variant is expected to disrupt ALPK3 protein function with a positive predictive value of 80%. In summary, the available evidence is currently insufficient to determine the role of this variant in disease. Therefore, it has been classified as a Variant of Uncertain Significance.

Ambry Genetics
Classification: Uncertain significance for Cardiovascular phenotype. Last evaluated: 2024-04-04. Review status: criteria provided, single submitter. Criteria: Ambry Variant Classification Scheme 2023. Collection method: clinical testing. Allele origin: germline.
Comment: The p.N1223T variant (also known as c.3668A>C), located in coding exon 6 of the ALPK3 gene, results from an A to C substitution at nucleotide position 3668. The asparagine at codon 1223 is replaced by threonine, an amino acid with similar properties. This amino acid position is conserved. In addition, this alteration is predicted to be tolerated by in silico analysis. Based on the available evidence, the clinical significance of this variant remains unclear.